The following is an entry in ClinVar:

NM_001348323.3(TRIP12):c.3098C>T (p.Thr1033Ile)

Gene: TRIP12 (thyroid hormone receptor interactor 12; minus strand). Cytogenetic location: 2q36.3.
Variant type: single nucleotide variant.
Coding change: c.3098C>T on transcript NM_001348323.3 (MANE Select); coding-DNA position 3098, C replaced by T.
Protein change: p.Thr1033Ile; replaces threonine 1033 with isoleucine.
Molecular consequence: missense variant.
Genome position (GRCh38, 1-based): chr2:229,802,360, G>A on the plus strand (C>T on the coding strand, the complement: TRIP12 is on the minus strand). VCF-style: chr2-229802360-G-A. GRCh37 (hg19) VCF-style: chr2-230667076-G-A.
Other names: c.3017C>T, p.Thr1006Ile (NM_001284214.2, NM_001348315.2); c.2972C>T, p.Thr991Ile (NM_001284215.2, NM_001348316.2, NM_001348317.1 and 1 more transcripts); c.2063C>T, p.Thr688Ile (NM_001284216.2); c.3098C>T, p.Thr1033Ile (NM_001348319.1, NM_001348320.2, NM_001348322.1 and 4 more transcripts); c.3101C>T, p.Thr1034Ile (NM_001348321.1, NM_001348328.1, NM_001348329.2 and 1 more transcripts); c.2891C>T, p.Thr964Ile (NM_001348331.1); c.3011C>T, p.Thr1004Ile (NM_001348332.1); c.3020C>T, p.Thr1007Ile (NM_001348333.1); and 1 more; short protein forms T1004I, T1006I, T1007I, T1033I, T1034I, T688I, T958I, T964I.
Identifiers: ClinVar variation 3366031 (VCV003366031.1).

ClinVar aggregate classification (germline): Uncertain significance (1 of 4 stars; one submission).

Submission:

GeneDx
Classification: Uncertain significance. Last evaluated: 2023-10-18. Review status: criteria provided, single submitter. Criteria: GeneDx Variant Classification Process June 2021. Collection method: clinical testing. Allele origin: germline. Affected: yes.
Comment: Not observed at significant frequency in large population cohorts (gnomAD); In silico analysis supports that this missense variant does not alter protein structure/function; Has not been previously published as pathogenic or benign to our knowledge